The following is an entry in ClinVar:

NM_001040716.2(PC):c.3262T>C (p.Leu1088=)

Gene: PC (pyruvate carboxylase; minus strand). Cytogenetic location: 11q13.2.
Variant type: single nucleotide variant.
Coding change: c.3262T>C on transcript NM_001040716.2 (MANE Select); coding-DNA position 3262, T replaced by C.
Protein change: p.Leu1088=; no amino-acid change (leucine 1088 retained).
Molecular consequence: synonymous variant.
Genome position (GRCh38, 1-based): chr11:66,849,256, A>G on the plus strand (T>C on the coding strand, the complement: PC is on the minus strand). VCF-style: chr11-66849256-A-G. GRCh37 (hg19) VCF-style: chr11-66616727-A-G.
Other names: c.3262T>C, p.Leu1088= (NM_000920.4, NM_022172.3); c.3262T>C (NM_001040716.1).
Identifiers: ClinVar variation 1121189 (VCV001121189.11), dbSNP rs910028001, ClinGen allele CA224120878.

ClinVar aggregate classification (germline): Likely benign. Review status: criteria provided, single submitter (1 of 4 stars). 2 submissions from 2 submitters: Likely benign (1). 1 of the submissions does not count toward it. Last evaluated 2024-01-04.

Conditions:
Pyruvate carboxylase deficiency. Also called: ATAXIA WITH LACTIC ACIDOSIS II; Pyruvate Carboxylase Deficiency Disease; LEIGH NECROTIZING ENCEPHALOPATHY DUE TO PYRUVATE CARBOXYLASE DEFICIENCY; LEIGH SYNDROME DUE TO PYRUVATE CARBOXYLASE DEFICIENCY; PC DEFICIENCY. Identifiers: Orphanet 3008, MedGen C0034341, MONDO:0009949, OMIM 266150.
PC-related disorder. Also called: PC-related condition.

Allele frequency attached by ClinVar (database versions not stated): TOPMed below 0.00001; gnomAD 0.00001; gnomAD exomes 0.00001.
gnomAD v4.1: 8 of 1,613,582 alleles (0.0005%); highest among the groups gnomAD compares: Non-Finnish European, 0.00068%; no homozygotes.

Submissions (2):

Labcorp Genetics (formerly Invitae), Labcorp
Classification: Likely benign for Pyruvate carboxylase deficiency. Last evaluated: 2024-01-04. Review status: criteria provided, single submitter. Criteria: Invitae Variant Classification Sherloc (09022015). Collection method: clinical testing. Allele origin: germline.

PreventionGenetics, part of Exact Sciences
Classification: Likely benign for PC-related condition. Last evaluated: 2023-03-04. Review status: no assertion criteria provided. Collection method: clinical testing. Allele origin: germline. Not counted in ClinVar's aggregate classification.
Comment: This variant is classified as likely benign based on ACMG/AMP sequence variant interpretation guidelines (Richards et al. 2015 PMID: 25741868, with internal and published modifications).